The following is an entry in ClinVar:

ClinVar aggregate classification (germline): Uncertain significance (1 of 4 stars; one submission).

Conditions:
Inborn genetic diseases. Identifiers: MedGen C0950123, MeSH D030342.

Allele frequency attached by ClinVar (database versions not stated): TOPMed 0.00011; gnomAD 0.00009; ExAC 0.00001.
gnomAD v4.1: 27 of 1,614,140 alleles (0.0017%); highest among the groups gnomAD compares: African/African-American, 0.036%; no homozygotes.

Submission:

Ambry Genetics
Classification: Uncertain significance for Inborn genetic diseases. Last evaluated: 2025-11-19. Review status: criteria provided, single submitter. Criteria: Ambry Variant Classification Scheme 2023. Collection method: clinical testing. Allele origin: germline.
Comment: The c.172C>A (p.L58I) alteration is located in exon 4 (coding exon 2) of the THRB gene. This alteration results from a C to A substitution at nucleotide position 172, causing the leucine (L) at amino acid position 58 to be replaced by an isoleucine (I). Based on data from gnomAD, the A allele has an overall frequency of 0.003% (7/282776) total alleles studied. The highest observed frequency was 0.028% (7/24968) of African alleles. Based on insufficient or conflicting evidence, the clinical significance of this alteration remains unclear.

NM_001354712.2(THRB):c.172C>A (p.Leu58Ile)

Gene: THRB (thyroid hormone receptor beta; minus strand). Cytogenetic location: 3p24.2.
Variant type: single nucleotide variant.
Coding change: c.172C>A on transcript NM_001354712.2 (MANE Select); coding-DNA position 172, C replaced by A.
Protein change: p.Leu58Ile; replaces leucine 58 with isoleucine.
Molecular consequence: missense variant.
Genome position (GRCh38, 1-based): chr3:24,190,185, G>T on the plus strand (C>A on the coding strand, the complement: THRB is on the minus strand). VCF-style: chr3-24190185-G-T. GRCh37 (hg19) VCF-style: chr3-24231676-G-T.
Other names: c.172C>A, p.Leu58Ile (NM_001252634.2, NM_001354708.2, NM_001354709.2 and 12 more transcripts); c.79C>A, p.Leu27Ile (NM_001354714.2, NM_001354715.2); short protein forms L58I, L27I.
Identifiers: ClinVar variation 2341244 (VCV002341244.3), dbSNP rs772976219, ClinGen allele CA2287422.
Genomic context (GRCh38, chr3:24,190,185, plus strand): 5'-GGTCGTTCACATCATCATGGTCCAGATGGAATATTGAGCTAGTCCAAGTGGTCTGGATGA[G>T]ATGTGGCGACGACTGTTCATTTTTCAACGTGCTGCGCCTCTCTGAATGGCTCTTCCTATG-3'
Protein context (NP_001341641.1, residues 48-68): TLKNEQSSPH[Leu58Ile]IQTTWTSSIF